The following is an entry in ClinVar:

ClinVar aggregate classification (germline): Uncertain significance (1 of 4 stars; one submission).

Submission:

Labcorp Genetics (formerly Invitae), Labcorp
Classification: Uncertain significance. Last evaluated: 2023-02-17. Review status: criteria provided, single submitter. Criteria: Invitae Variant Classification Sherloc (09022015). Collection method: clinical testing. Allele origin: germline.
Comment: This variant, c.357_359del, results in the deletion of 1 amino acid(s) of the SON protein (p.Lys123del), but otherwise preserves the integrity of the reading frame. The frequency data for this variant in the population databases is considered unreliable, as metrics indicate poor data quality at this position in the gnomAD database. This variant has not been reported in the literature in individuals affected with SON-related conditions. Experimental studies and prediction algorithms are not available or were not evaluated, and the functional significance of this variant is currently unknown. In summary, the available evidence is currently insufficient to determine the role of this variant in disease. Therefore, it has been classified as a Variant of Uncertain Significance.

NM_138927.4(SON):c.354GAA[1] (p.Lys123del)

Gene: SON (SON DNA and RNA binding protein; plus strand). Cytogenetic location: 21q22.11.
Variant type: Microsatellite.
Coding change: c.354GAA[1] on transcript NM_138927.4 (MANE Select); one copy of the 3-base unit GAA starting at c.354; the reference has two copies in a row; one copy, 3 bases deleted.
Protein change: p.Lys123del; deletes lysine 123.
Molecular consequence: inframe deletion. On other transcripts: inframe indel (3), non-coding transcript variant (1), intron variant (1).
Genome position (GRCh38, 1-based): chr21:33,549,588-33,549,590, GAA deleted; deleting any 3 consecutive bases within chr21:33,549,583-33,549,590 gives the same sequence; the position shown is the placement nearest the transcript's 3' end. VCF-style (leftmost placement, unchanged base first): chr21-33549582-AAAG-A. GRCh37 (hg19) VCF-style: chr21-34921888-AAAG-A.
Other names: c.354GAA[1], p.Lys123del (NM_001291411.2, NM_032195.3); c.354_356GAA[1], p.Lys123del (NM_001412133.1, NM_058183.2, NM_138926.1); c.244+3209_244+3211del (NM_001291412.3); short protein forms K123del.
Identifiers: ClinVar variation 2751309 (VCV002751309.1), dbSNP rs1175190849, ClinGen allele CA637668320.